The following is an entry in ClinVar:

NM_001042750.2(STAG2):c.3370A>G (p.Thr1124Ala)

Gene: STAG2 (STAG2 cohesin complex component; plus strand). Cytogenetic location: Xq25.
Variant type: single nucleotide variant.
Coding change: c.3370A>G on transcript NM_001042750.2 (MANE Select); coding-DNA position 3370, A replaced by G.
Protein change: p.Thr1124Ala; replaces threonine 1124 with alanine.
Molecular consequence: missense variant.
Genome position (GRCh38, 1-based): chrX:124,090,667, A>G. VCF-style: chrX-124090667-A-G. GRCh37 (hg19) VCF-style: chrX-123224517-A-G.
Other names: c.3370A>G, p.Thr1124Ala (NM_001441082.1, NM_001441083.1, NM_001441084.1 and 23 more transcripts); short protein forms T1124A.
Identifiers: ClinVar variation 4729915 (VCV004729915.1).

ClinVar aggregate classification (germline): Uncertain significance (1 of 4 stars; one submission).

Submission:

Labcorp Genetics (formerly Invitae), Labcorp
Classification: Uncertain significance. Last evaluated: 2025-10-26. Review status: criteria provided, single submitter. Criteria: Invitae Variant Classification Sherloc (09022015). Collection method: clinical testing. Allele origin: germline.
Comment: This sequence change replaces threonine, which is neutral and polar, with alanine, which is neutral and non-polar, at codon 1124 of the STAG2 protein (p.Thr1124Ala). This variant is present in population databases (rs760377864, gnomAD 0.002%). This variant has not been reported in the literature in individuals affected with STAG2-related conditions. An algorithm developed to predict the effect of missense changes on protein structure and function (PolyPhen-2) suggests that this variant is likely to be disruptive. In summary, the available evidence is currently insufficient to determine the role of this variant in disease. Therefore, it has been classified as a Variant of Uncertain Significance.